The following is an entry in ClinVar:

NM_000548.5(TSC2):c.5201A>G (p.Asp1734Gly)

Gene: TSC2 (TSC complex subunit 2; plus strand). Cytogenetic location: 16p13.3.
Variant type: single nucleotide variant.
Coding change: c.5201A>G on transcript NM_000548.5 (MANE Select); coding-DNA position 5201, A replaced by G.
Protein change: p.Asp1734Gly; replaces aspartic acid 1734 with glycine.
Molecular consequence: missense variant.
Genome position (GRCh38, 1-based): chr16:2,088,267, A>G. VCF-style: chr16-2088267-A-G. GRCh37 (hg19) VCF-style: chr16-2138268-A-G.
Other names: c.5000A>G, p.Asp1667Gly (NM_001077183.3); c.5132A>G, p.Asp1711Gly (NM_001114382.3); c.4892A>G, p.Asp1631Gly (NM_001318827.2); c.4856A>G, p.Asp1619Gly (NM_001318829.2); c.4469A>G, p.Asp1490Gly (NM_001318831.2); c.5033A>G, p.Asp1678Gly (NM_001318832.2); c.5003A>G, p.Asp1668Gly (NM_001363528.2); c.5069A>G, p.Asp1690Gly (NM_001370404.1); and 2 more; short protein forms D1734G, D1619G, D1668G, D1711G, D1631G, D1678G, D1690G, D1691G.
Identifiers: ClinVar variation 405986 (VCV000405986.13), dbSNP rs878854117, ClinGen allele CA16614798.
Genomic context (GRCh38, chr16:2,088,267, plus strand): 5'-CCCCCTGCCTACGTCCCCAGATGGCCTCACAGGTGCATCATAGCCGCTCCAACCCCACCG[A>G]TATCTACCCCTCCAAGTGGATTGCCCGGCTCCGCCACATCAAGCGGCTCCGCCAGCGGGT-3'
Protein context (NP_000539.2, residues 1724-1744): QVHHSRSNPT[Asp1734Gly]IYPSKWIARL

ClinVar aggregate classification (germline): Uncertain significance. Review status: criteria provided, multiple submitters, no conflicts (2 of 4 stars). 4 submissions from 4 submitters: Uncertain significance (4). Last evaluated 2025-10-19.

Conditions:
Hereditary cancer-predisposing syndrome. Also called: Neoplastic Syndromes, Hereditary; Tumor predisposition; Hereditary Cancer Syndrome; Hereditary neoplastic syndrome. Identifiers: Orphanet 140162, MedGen C0027672, MeSH D009386, MONDO:0015356.
Tuberous sclerosis 2 (TSC2). Identifiers: Orphanet 805, MedGen C1860707, MONDO:0013199, OMIM 613254.

Allele frequency attached by ClinVar (database versions not stated): gnomAD 0.00001; TOPMed 0.00001.
gnomAD v4.1: 3 of 1,612,986 alleles (0.00019%); highest among the groups gnomAD compares: Non-Finnish European, 0.00025%; no homozygotes.

Submissions (4):

Ambry Genetics
Classification: Uncertain significance for Hereditary cancer-predisposing syndrome. Last evaluated: 2025-10-19. Review status: criteria provided, single submitter. Criteria: Ambry Variant Classification Scheme 2023. Collection method: clinical testing. Allele origin: germline.
Comment: The p.D1734G variant (also known as c.5201A>G), located in coding exon 40 of the TSC2 gene, results from an A to G substitution at nucleotide position 5201. The aspartic acid at codon 1734 is replaced by glycine, an amino acid with similar properties. This alteration was identified in 1 of 374 patients with clinically suspected TSC undergoing genetic testing within the TSC1 and TSC2 genes (Meng Y et al. J Hum Genet, 2021 Mar;66:227-236). This amino acid position is highly conserved in available vertebrate species. In addition, this alteration is predicted to be deleterious by in silico analysis. Since supporting evidence is limited at this time, the clinical significance of this alteration remains unclear.

Labcorp Genetics (formerly Invitae), Labcorp
Classification: Uncertain significance for Tuberous sclerosis 2. Last evaluated: 2025-09-04. Review status: criteria provided, single submitter. Criteria: Invitae Variant Classification Sherloc (09022015). Collection method: clinical testing. Allele origin: germline.
Comment: This sequence change replaces aspartic acid, which is acidic and polar, with glycine, which is neutral and non-polar, at codon 1734 of the TSC2 protein (p.Asp1734Gly). This variant is not present in population databases (gnomAD no frequency). This variant has not been reported in the literature in individuals affected with TSC2-related conditions. ClinVar contains an entry for this variant (Variation ID: 405986). Invitae Evidence Modeling of protein sequence and biophysical properties (such as structural, functional, and spatial information, amino acid conservation, physicochemical variation, residue mobility, and thermodynamic stability) indicates that this missense variant is not expected to disrupt TSC2 protein function with a negative predictive value of 95%. In summary, the available evidence is currently insufficient to determine the role of this variant in disease. Therefore, it has been classified as a Variant of Uncertain Significance.

GeneDx
Classification: Uncertain significance. Last evaluated: 2024-08-23. Review status: criteria provided, single submitter. Criteria: GeneDx Variant Classification Process June 2021. Collection method: clinical testing. Allele origin: germline. Affected: yes.
Comment: Observed in conjunction with another TSC2 variant in an individual with cortical dysplasia or epilepsy (PMID: 32917966); In silico analysis supports that this missense variant has a deleterious effect on protein structure/function; Not observed at significant frequency in large population cohorts (gnomAD); This variant is associated with the following publications: (PMID: 32917966)

Blueprint Genetics
Classification: Uncertain significance. Last evaluated: 2020-04-16. Review status: criteria provided, single submitter. Criteria: ACMG Guidelines, 2015. Collection method: clinical testing. Allele origin: germline.

Literature cited by the submitters: PubMed 32917966 (cited by Ambry Genetics).